The following is an entry in ClinVar:

ClinVar aggregate classification (germline): Conflicting classifications of pathogenicity. Review status: criteria provided, conflicting classifications (1 of 4 stars). 3 submissions from 3 submitters: Uncertain significance (1); Likely benign (2). Last evaluated 2025-02-16.

Conditions:
Inborn genetic diseases. Identifiers: MedGen C0950123, MeSH D030342.

Allele frequency attached by ClinVar (database versions not stated): TOPMed 0.00002; gnomAD 0.00009; ExAC 0.00011.
gnomAD v4.1: 36 of 1,587,654 alleles (0.0023%); highest among the groups gnomAD compares: East Asian, 0.009%; no homozygotes.

Submissions (3):

Laboratory of Genetics, Children's Clinical University Hospital Latvia
Classification: Likely benign. Last evaluated: 2025-02-16. Review status: criteria provided, single submitter. Criteria: ACMG Guidelines, 2015. Collection method: clinical testing. Allele origin: germline. Affected: yes.

Labcorp Genetics (formerly Invitae), Labcorp
Classification: Uncertain significance. Last evaluated: 2024-06-25. Review status: criteria provided, single submitter. Criteria: Invitae Variant Classification Sherloc (09022015). Collection method: clinical testing. Allele origin: germline.
Comment: This sequence change replaces arginine, which is basic and polar, with cysteine, which is neutral and slightly polar, at codon 1617 of the TRRAP protein (p.Arg1617Cys). This variant is present in population databases (rs782392215, gnomAD 0.04%), and has an allele count higher than expected for a pathogenic variant. This variant has not been reported in the literature in individuals affected with TRRAP-related conditions. ClinVar contains an entry for this variant (Variation ID: 1943242). Advanced modeling of protein sequence and biophysical properties (such as structural, functional, and spatial information, amino acid conservation, physicochemical variation, residue mobility, and thermodynamic stability) performed at Invitae indicates that this missense variant is not expected to disrupt TRRAP protein function with a negative predictive value of 80%. In summary, the available evidence is currently insufficient to determine the role of this variant in disease. Therefore, it has been classified as a Variant of Uncertain Significance.

Ambry Genetics
Classification: Likely benign for Inborn genetic diseases. Last evaluated: 2024-04-12. Review status: criteria provided, single submitter. Criteria: Ambry Variant Classification Scheme 2023. Collection method: clinical testing. Allele origin: germline.

NM_001375524.1(TRRAP):c.4924C>T (p.Arg1642Cys)

Gene: TRRAP (transformation/transcription domain associated protein; plus strand). Cytogenetic location: 7q22.1.
Variant type: single nucleotide variant.
Coding change: c.4924C>T on transcript NM_001375524.1 (MANE Select); coding-DNA position 4924, C replaced by T.
Protein change: p.Arg1642Cys; replaces arginine 1642 with cysteine.
Molecular consequence: missense variant.
Genome position (GRCh38, 1-based): chr7:98,949,552, C>T. VCF-style: chr7-98949552-C-T. GRCh37 (hg19) VCF-style: chr7-98547175-C-T.
Other names: c.4903C>T, p.Arg1635Cys (NM_001244580.2); c.4849C>T, p.Arg1617Cys (NM_003496.4); c.4903C>T (NM_001244580.1); short protein forms R1635C, R1617C, R1642C.
Identifiers: ClinVar variation 1943242 (VCV001943242.7), dbSNP rs782392215, ClinGen allele CA4360421.